The following is an entry in ClinVar:

NM_001365276.2(TNXB):c.6002A>T (p.Asp2001Val)

Gene: TNXB (tenascin XB; minus strand). Cytogenetic location: 6p21.33.
Variant type: single nucleotide variant.
Coding change: c.6002A>T on transcript NM_001365276.2 (MANE Select); coding-DNA position 6002, A replaced by T.
Protein change: p.Asp2001Val; replaces aspartic acid 2001 with valine.
Molecular consequence: missense variant.
Genome position (GRCh38, 1-based): chr6:32,068,608, T>A on the plus strand (A>T on the coding strand, the complement: TNXB is on the minus strand). VCF-style: chr6-32068608-T-A. GRCh37 (hg19) VCF-style: chr6-32036385-T-A.
Other names: c.6743A>T, p.Asp2248Val (NM_001428335.1); c.6002A>T, p.Asp2001Val (NM_019105.8); short protein forms D2001V, D2248V.
Identifiers: ClinVar variation 4615166 (VCV004615166.1).

ClinVar aggregate classification (germline): Uncertain significance (1 of 4 stars; one submission).

Conditions:
Cardiovascular phenotype. Identifiers: MedGen CN230736.

Submission:

Ambry Genetics
Classification: Uncertain significance for Cardiovascular phenotype. Last evaluated: 2025-10-29. Review status: criteria provided, single submitter. Criteria: Ambry Variant Classification Scheme 2023. Collection method: clinical testing. Allele origin: germline.
Comment: The p.D2001V variant (also known as c.6002A>T), located in coding exon 16 of the TNXB gene, results from an A to T substitution at nucleotide position 6002. The aspartic acid at codon 2001 is replaced by valine, an amino acid with highly dissimilar properties. This amino acid position is conserved. In addition, this alteration is predicted to be tolerated by in silico analysis. Based on the available evidence, the clinical significance of this variant remains unclear.